The following is an entry in ClinVar:

NM_198282.4(STING1):c.376C>T (p.Leu126Phe)

Genes: STING1 (stimulator of interferon response cGAMP interactor 1; minus strand), LOC123522803 (Sharpr-MPRA regulatory region 11914; plus strand). Cytogenetic location: 5q31.2.
Variant type: single nucleotide variant.
Coding change: c.376C>T on transcript NM_198282.4 (MANE Select); coding-DNA position 376, C replaced by T.
Protein change: p.Leu126Phe; replaces leucine 126 with phenylalanine.
Molecular consequence: missense variant.
Genome position (GRCh38, 1-based): chr5:139,481,194, G>A on the plus strand (C>T on the coding strand, the complement: STING1 is on the minus strand). VCF-style: chr5-139481194-G-A. GRCh37 (hg19) VCF-style: chr5-138860779-G-A.
Other names: c.376C>T, p.Leu126Phe (NM_001301738.2); c.19C>T, p.Leu7Phe (NM_001367258.1); short protein forms L126F, L7F.
Identifiers: ClinVar variation 4761699 (VCV004761699.1).

ClinVar aggregate classification (germline): Uncertain significance (1 of 4 stars; one submission).

Conditions:
STING-associated vasculopathy with onset in infancy. Also called: Sting-associated vasculopathy, infantile-onset. Identifiers: Orphanet 425120, MedGen C4014722, MONDO:0014405, OMIM 615934.

gnomAD v4.1: 4 of 1,614,230 alleles (0.00025%); highest among the groups gnomAD compares: Non-Finnish European, 0.00025%; no homozygotes.

Submission:

Labcorp Genetics (formerly Invitae), Labcorp
Classification: Uncertain significance for STING-associated vasculopathy with onset in infancy. Last evaluated: 2026-02-01. Review status: criteria provided, single submitter. Criteria: Invitae Variant Classification Sherloc (09022015). Collection method: clinical testing. Allele origin: germline.
Comment: This sequence change replaces leucine, which is neutral and non-polar, with phenylalanine, which is neutral and non-polar, at codon 126 of the TMEM173 protein (p.Leu126Phe). This variant is not present in population databases (gnomAD no frequency). This variant has not been reported in the literature in individuals affected with TMEM173-related conditions. Invitae Evidence Modeling of protein sequence and biophysical properties (such as structural, functional, and spatial information, amino acid conservation, physicochemical variation, residue mobility, and thermodynamic stability) indicates that this missense variant is not expected to disrupt TMEM173 protein function with a negative predictive value of 80%. In summary, the available evidence is currently insufficient to determine the role of this variant in disease. Therefore, it has been classified as a Variant of Uncertain Significance.